The following is an entry in ClinVar:

ClinVar aggregate classification (germline): Uncertain significance (1 of 4 stars; one submission).

Submission:

GeneDx
Classification: Uncertain significance. Last evaluated: 2024-01-08. Review status: criteria provided, single submitter. Criteria: GeneDx Variant Classification Process June 2021. Collection method: clinical testing. Allele origin: germline. Affected: yes.
Comment: Reported using an alternate transcript of the gene; Frameshift variant predicted to result in protein truncation or nonsense mediated decay in a gene for which loss-of-function is not a known mechanism of disease; Has not been previously published as pathogenic or benign to our knowledge; Not observed at significant frequency in large population cohorts (gnomAD)

NM_203285.2(NECTIN1):c.1038_1039del (p.Ala347fs)

Gene: NECTIN1 (nectin cell adhesion molecule 1; minus strand). Cytogenetic location: 11q23.3.
Variant type: Deletion.
Coding change: c.1038_1039del on transcript NM_203285.2; coding-DNA positions 1038 to 1039, 2 bases deleted (AG; older notation c.1038_1039delAG).
Protein change: p.Ala347fs; shifts the reading frame from alanine 347.
Molecular consequence: frameshift variant.
Genome position (GRCh38, 1-based): chr11:119,639,977-119,639,978, CT deleted on the plus strand (AG on the coding strand, the reverse complement: NECTIN1 is on the minus strand). VCF-style (leftmost placement, unchanged base first): chr11-119639976-GCT-G. GRCh37 (hg19) VCF-style: chr11-119510686-GCT-G.
Other names: short protein forms A347fs.
Identifiers: ClinVar variation 3367425 (VCV003367425.1).